The following is an entry in ClinVar:

NM_138927.4(SON):c.3852_3856del (p.Met1284fs)

Gene: SON (SON DNA and RNA binding protein; plus strand). Cytogenetic location: 21q22.11.
Variant type: Deletion.
Coding change: c.3852_3856del on transcript NM_138927.4 (MANE Select); coding-DNA positions 3852 to 3856, 5 bases deleted (GGTAT; older notation c.3852_3856delGGTAT).
Protein change: p.Met1284fs; shifts the reading frame from methionine 1284.
Molecular consequence: frameshift variant. On other transcripts: non-coding transcript variant (1), intron variant (1).
Genome position (GRCh38, 1-based): chr21:33,553,083-33,553,087, GGTAT deleted; deleting any 5 consecutive bases within chr21:33,553,079-33,553,087 gives the same sequence; the c. name uses the placement nearest the transcript's 3' end. VCF-style (leftmost placement, unchanged base first): chr21-33553078-TGTATG-T. GRCh37 (hg19) VCF-style: chr21-34925384-TGTATG-T.
Other names: c.3852_3856del, p.Met1284fs (NM_001291411.2, NM_032195.3); c.245-4073_245-4069del (NM_001291412.3); short protein forms M1284fs.
Identifiers: ClinVar variation 252928 (VCV000252928.10), dbSNP rs1114167303, ClinGen allele CA645369790.

ClinVar aggregate classification (germline): Pathogenic/Likely pathogenic. Review status: criteria provided, multiple submitters, no conflicts (2 of 4 stars). 5 submissions from 5 submitters: Pathogenic (3); Likely pathogenic (1). 1 of the submissions does not count toward it. Last evaluated 2022-10-20.

Conditions:
ZTTK syndrome (ZTTKS). Also called: ZTTK MULTIPLE CONGENITAL ANOMALIES-MENTAL RETARDATION SYNDROME; Zhu-Tokita-Takenouchi-Kim Syndrome. Identifiers: Orphanet 500150, MedGen C4310696, MONDO:0014936, OMIM 617140.
Global developmental delay (DD). Also called: Cognitive delay. Identifiers: MedGen C0557874, HP:0001263. Disease mechanism: loss of function.
Failure to thrive. Also called: Pediatric failure to thrive. Identifiers: MedGen C2315100, HP:0001508.

Submissions (5):

GeneDx
Classification: Pathogenic. Last evaluated: 2022-10-20. Review status: criteria provided, single submitter. Criteria: GeneDx Variant Classification Process June 2021. Collection method: clinical testing. Allele origin: germline. Affected: yes.
Comment: Frameshift variant predicted to result in protein truncation or nonsense mediated decay in a gene for which loss-of-function is a known mechanism of disease; Not observed in large population cohorts (gnomAD); This variant is associated with the following publications: (PMID: 34521999, 28191890, 28135719, 27545676, 27545680, 31785789)

Labcorp Genetics (formerly Invitae), Labcorp
Classification: Pathogenic. Last evaluated: 2021-04-02. Review status: criteria provided, single submitter. Criteria: Invitae Variant Classification Sherloc (09022015). Collection method: clinical testing. Allele origin: germline.
Comment: For these reasons, this variant has been classified as Pathogenic. This variant has been observed in individuals with clinical features of SON-related conditions (PMID: 27545676, 27545680, 28135719). ClinVar contains an entry for this variant (Variation ID: 252928). This variant is not present in population databases (ExAC no frequency). This sequence change creates a premature translational stop signal (p.Met1284Ilefs*2) in the SON gene. It is expected to result in an absent or disrupted protein product. Loss-of-function variants in SON are known to be pathogenic (PMID: 27545676, 27545680).

Victorian Clinical Genetics Services, Murdoch Childrens Research Institute
Classification: Pathogenic for ZTTK syndrome. Last evaluated: 2020-05-21. Review status: criteria provided, single submitter. Criteria: ACMG Guidelines, 2015. Collection method: clinical testing. Allele origin: germline. Inheritance: Autosomal dominant inheritance.
Comment: A heterozygous variant was identified, NM_138927.2(SON):c.3852_3856del in exon 3 of 12 of the SON gene (NB: This variant is non-coding in an alternative transcript). This deletion is predicted to cause a frameshift from amino acid position 1284 introducing a stop codon 2 residues downstream, NP_620305.2(SON):p.(Met1284Ilefs*2). The variant is predicted to result in loss of protein function through nonsense-mediated decay, which is a reported mechanism of pathogenicity for this gene. This variant is not present in the gnomAD population database. It has previously been reported as pathogenic in clinical cases, and was also shown to be de novo (ClinVar, Tokita, M., et al. (2016), Kim, J., et al. (2016)). Multiple variants predicted to cause NMD have also been reported as pathogenic (ClinVar). Based on information available at the time of curation, this variant has been classified as PATHOGENIC.

Baylor Genetics
Classification: Likely pathogenic for Global developmental delay; Failure to thrive. Last evaluated: 2016-06-21. Review status: criteria provided, single submitter. Criteria: Submitter's publication. Collection method: clinical testing. Allele origin: de novo. Inheritance: Autosomal dominant inheritance. Affected: yes. Study: SON.

University of Washington Center for Mendelian Genomics, University of Washington
Classification: Likely pathogenic for ZTTK syndrome. Last evaluated: 2016-09-01. Review status: no assertion criteria provided. Collection method: research. Allele origin: unknown. Affected: yes. Observed: 1 heterozygote. Not counted in ClinVar's aggregate classification.

Literature cited by the submitters: PubMed 27545676 (cited by Labcorp Genetics (formerly Invitae), Labcorp and Victorian Clinical Genetics Services, Murdoch Childrens Research Institute); PubMed 27545680 (cited by 3 submitters); PubMed 28135719 (cited by Labcorp Genetics (formerly Invitae), Labcorp).